The following is an entry in ClinVar:

NM_001378457.1(DMXL2):c.5015C>T (p.Ser1672Leu)

Gene: DMXL2 (Dmx like 2; minus strand). Cytogenetic location: 15q21.2.
Variant type: single nucleotide variant.
Coding change: c.5015C>T on transcript NM_001378457.1 (MANE Select); coding-DNA position 5015, C replaced by T.
Protein change: p.Ser1672Leu; replaces serine 1672 with leucine.
Molecular consequence: missense variant. On other transcripts: non-coding transcript variant (2).
Genome position (GRCh38, 1-based): chr15:51,488,584, G>A on the plus strand (C>T on the coding strand, the complement: DMXL2 is on the minus strand). VCF-style: chr15-51488584-G-A. GRCh37 (hg19) VCF-style: chr15-51780781-G-A.
Other names: c.5015C>T, p.Ser1672Leu (NM_001174116.3, NM_001378458.1, NM_001378459.1 and 4 more transcripts); c.3107C>T, p.Ser1036Leu (NM_001174117.3); c.2996C>T, p.Ser999Leu (NM_001378460.1); c.4775C>T, p.Ser1592Leu (NM_001378464.1); short protein forms S1592L, S1672L, S1036L, S999L.
Identifiers: ClinVar variation 2004621 (VCV002004621.2), dbSNP rs2548475855, ClinGen allele CA392427914.

ClinVar aggregate classification (germline): Uncertain significance (1 of 4 stars; one submission).

Submission:

Labcorp Genetics (formerly Invitae), Labcorp
Classification: Uncertain significance. Last evaluated: 2022-06-10. Review status: criteria provided, single submitter. Criteria: Invitae Variant Classification Sherloc (09022015). Collection method: clinical testing. Allele origin: germline.
Comment: This sequence change replaces serine, which is neutral and polar, with leucine, which is neutral and non-polar, at codon 1672 of the DMXL2 protein (p.Ser1672Leu). This variant is not present in population databases (gnomAD no frequency). This variant has not been reported in the literature in individuals affected with DMXL2-related conditions. Algorithms developed to predict the effect of missense changes on protein structure and function are either unavailable or do not agree on the potential impact of this missense change (SIFT: "Deleterious"; PolyPhen-2: "Benign"; Align-GVGD: "Class C15"). In summary, the available evidence is currently insufficient to determine the role of this variant in disease. Therefore, it has been classified as a Variant of Uncertain Significance.